The following is an entry in ClinVar:

ClinVar aggregate classification (germline): Uncertain significance (1 of 4 stars; one submission).

Conditions:
Progressive myoclonic epilepsy type 7. Identifiers: Orphanet 435438, MedGen C4015420, MONDO:0014521, OMIM 616187.

Allele frequency attached by ClinVar (database versions not stated): TOPMed 0.00001; gnomAD exomes 0.00002 and 0.00003; gnomAD 0.00003.
gnomAD v4.1: 26 of 1,551,400 alleles (0.0017%); highest among the groups gnomAD compares: South Asian, 0.0036%; no homozygotes.

Submission:

Labcorp Genetics (formerly Invitae), Labcorp
Classification: Uncertain significance for Progressive myoclonic epilepsy type 7. Last evaluated: 2024-06-05. Review status: criteria provided, single submitter. Criteria: Invitae Variant Classification Sherloc (09022015). Collection method: clinical testing. Allele origin: germline.
Comment: This sequence change replaces serine, which is neutral and polar, with leucine, which is neutral and non-polar, at codon 537 of the KCNC1 protein (p.Ser537Leu). This variant is present in population databases (rs374684541, gnomAD 0.009%). This variant has not been reported in the literature in individuals affected with KCNC1-related conditions. ClinVar contains an entry for this variant (Variation ID: 946049). Advanced modeling of protein sequence and biophysical properties (such as structural, functional, and spatial information, amino acid conservation, physicochemical variation, residue mobility, and thermodynamic stability) performed at Invitae indicates that this missense variant is expected to disrupt KCNC1 protein function with a positive predictive value of 95%. In summary, the available evidence is currently insufficient to determine the role of this variant in disease. Therefore, it has been classified as a Variant of Uncertain Significance.

NM_001112741.2(KCNC1):c.1610C>T (p.Ser537Leu)

Gene: KCNC1 (potassium voltage-gated channel subfamily C member 1; plus strand). Cytogenetic location: 11p15.1.
Variant type: single nucleotide variant.
Coding change: c.1610C>T on transcript NM_001112741.2 (MANE Select); coding-DNA position 1610, C replaced by T.
Protein change: p.Ser537Leu; replaces serine 537 with leucine.
Molecular consequence: missense variant.
Genome position (GRCh38, 1-based): chr11:17,779,561, C>T. VCF-style: chr11-17779561-C-T. GRCh37 (hg19) VCF-style: chr11-17801108-C-T.
Other names: short protein forms S537L.
Identifiers: ClinVar variation 946049 (VCV000946049.10), dbSNP rs374684541, ClinGen allele CA218475313.
Genomic context (GRCh38, chr11:17,779,561, plus strand): 5'-AAGACTGCCCCCACATAGACCAGGCCCTCACTCCCGATGAGGGCCTGCCCTTTACGCGCT[C>T]GGGCACCCGCGAGAGATACGGACCCTGCTTCCTCTTATCAACCGGGGAGTACGCGTGCCC-3'
Protein context (NP_001106212.1, residues 527-547): TPDEGLPFTR[Ser537Leu]GTRERYGPCF